The following is an entry in ClinVar:

NM_000202.8(IDS):c.1396_1404dup (p.Arg468_Pro469insTyrProArg)

Gene: IDS (iduronate 2-sulfatase; minus strand). Cytogenetic location: Xq28.
Variant type: Duplication.
Coding change: c.1396_1404dup on transcript NM_000202.8 (MANE Select); coding-DNA positions 1396 to 1404, 9 bases duplicated (TATCCCCGG; older notation c.1396_1404dupTATCCCCGG).
Protein change: p.Arg468_Pro469insTyrProArg.
Molecular consequence: inframe insertion.
Genome position (GRCh38, 1-based): chrX:149,482,995-149,483,003, CCGGGGATA duplicated on the plus strand (TATCCCCGG on the coding strand, the reverse complement: IDS is on the minus strand); duplicating any 9 consecutive bases within chrX:149,482,995-149,483,004 gives the same sequence; the c. name uses the placement nearest the transcript's 3' end. VCF-style (leftmost placement, unchanged base first): chrX-149482994-G-GCCGGGGATA. GRCh37 (hg19) VCF-style: chrX-148564525-G-GCCGGGGATA.
Other names: c.1126_1134dup, p.Arg378_Pro379insTyrProArg (NM_001166550.4).
Identifiers: ClinVar variation 3256043 (VCV003256043.2).

ClinVar aggregate classification (germline): Pathogenic (1 of 4 stars; one submission).

Conditions:
Mucopolysaccharidosis, MPS-II (MPS2). Also called: Hunter Syndrome; IDURONATE 2-SULFATASE DEFICIENCY; Mucopolysaccharidosis Type II; Mucopolysaccharidosis type 2; Attenuated MPS (subtype; formerly known as mild MPS II); Severe MPS II. Identifiers: Orphanet 580, Orphanet 79388, MedGen C0026705, MONDO:0010674, OMIM 309900.

Submission:

Laboratory of Diagnosis and Therapy of Lysosomal Disorders, University of Padova
Classification: Pathogenic for Mucopolysaccharidosis, MPS-II. Last evaluated: 2024-06-07. Review status: criteria provided, single submitter. Criteria: ACMG Guidelines, 2015. Collection method: literature only. Allele origin: germline. Affected: yes. Observed: 1 variant allele.
Comment: In vitro or in vivo functional studies supportive of a damaging effect (PS3_Strong), Absent from controls (or at low frequency) in gnomAD database (PM2_Moderate), Multiple lines of computational evidence support a deleterious effect (PP3_Supporting), Patient’s phenotype or family history highly specific for the disease (PP4_Strong)

Classification method: ACMG Guidelines [PMID:25741868] with modifications

Literature cited by the submitters: PubMed 30639582.